The following is an entry in ClinVar:

ClinVar aggregate classification (germline): Uncertain significance. Review status: criteria provided, multiple submitters, no conflicts (2 of 4 stars). 5 submissions from 5 submitters: Uncertain significance (5). Last evaluated 2025-10-04.

Conditions:
Aicardi-Goutieres syndrome 7 (AGS7). Identifiers: Orphanet 51, MedGen C3888244, MONDO:0014367, OMIM 615846.
Singleton-Merten syndrome 1 (SGMRT1). Also called: Widened medullary cavities of bone, aortic calcification, abnormal dentition, and muscular weakness; Syndrome of widened medullary cavities of the metacarpals and phalanges, aortic calcification and abnormal dentition. Identifiers: Orphanet 85191, MedGen C4225427, MONDO:0024535, OMIM 182250.

Allele frequency attached by ClinVar (database versions not stated): ExAC 0.00001; gnomAD exomes 0.00001.
gnomAD v4.1: 15 of 1,608,994 alleles (0.00093%); highest among the groups gnomAD compares: Admixed American, 0.0017%; no homozygotes.

Submissions (5):

Labcorp Genetics (formerly Invitae), Labcorp
Classification: Uncertain significance for Aicardi-Goutieres syndrome 7; Singleton-Merten syndrome 1. Last evaluated: 2025-10-04. Review status: criteria provided, single submitter. Criteria: Invitae Variant Classification Sherloc (09022015). Collection method: clinical testing. Allele origin: germline.
Comment: This sequence change replaces threonine, which is neutral and polar, with alanine, which is neutral and non-polar, at codon 767 of the IFIH1 protein (p.Thr767Ala). This variant is not present in population databases (gnomAD no frequency). This variant has not been reported in the literature in individuals affected with IFIH1-related conditions. This missense change has been observed in at least one individual who was not affected with IFIH1-related conditions (internal data). ClinVar contains an entry for this variant (Variation ID: 1254919). Invitae Evidence Modeling of protein sequence and biophysical properties (such as structural, functional, and spatial information, amino acid conservation, physicochemical variation, residue mobility, and thermodynamic stability) has been performed for this missense variant. However, the output from this modeling did not meet the statistical confidence thresholds required to predict the impact of this variant on IFIH1 protein function. In summary, the available evidence is currently insufficient to determine the role of this variant in disease. Therefore, it has been classified as a Variant of Uncertain Significance.

CeGaT Center for Human Genetics Tuebingen
Classification: Uncertain significance. Last evaluated: 2024-11-01. Review status: criteria provided, single submitter. Criteria: CeGaT Center For Human Genetics Tuebingen Variant Classification Criteria Version 2. Collection method: clinical testing. Allele origin: germline. Affected: yes. Observed: 1 variant allele.
Comment: IFIH1: PM2

Blueprint Genetics
Classification: Uncertain significance. Last evaluated: 2024-08-09. Review status: criteria provided, single submitter. Criteria: ACMG Guidelines, 2015. Collection method: clinical testing. Allele origin: germline.

GeneDx
Classification: Uncertain significance. Last evaluated: 2024-06-20. Review status: criteria provided, single submitter. Criteria: GeneDx Variant Classification Process June 2021. Collection method: clinical testing. Allele origin: germline. Affected: yes.
Comment: Not observed at significant frequency in large population cohorts (gnomAD); In silico analysis supports that this missense variant has a deleterious effect on protein structure/function; Has not been previously published as pathogenic or benign to our knowledge

Center for Precision Genome Editing and Genetic Technologies for Biomedicine, Pirogov Russian National Research Medical University
Classification: Uncertain significance for Aicardi-Goutieres syndrome 7. Last evaluated: 2023-08-03. Review status: criteria provided, single submitter. Criteria: ACMG Guidelines, 2015. Collection method: clinical testing. Allele origin: unknown. Inheritance: Autosomal dominant inheritance. Affected: yes. Observed: 1 heterozygote.
Comment: This missense variant results in an amino acid substitution in the splicing domain. Its effect on splicing is unknown. This variant has not been detected in control samples nor in patients with Aicardi-Goutières syndrome 7; therefore, the PM2 criterion applies. Based on the ACMG/AMP criteria applied (PM2), this variant is classified as a Variant of Uncertain Significance (VUS) for Aicardi-Goutières syndrome 7

NM_022168.4(IFIH1):c.2299A>G (p.Thr767Ala)

Gene: IFIH1 (interferon induced with helicase C domain 1; minus strand). Cytogenetic location: 2q24.2.
Variant type: single nucleotide variant.
Coding change: c.2299A>G on transcript NM_022168.4 (MANE Select); coding-DNA position 2299, A replaced by G.
Protein change: p.Thr767Ala; replaces threonine 767 with alanine.
Molecular consequence: missense variant.
Genome position (GRCh38, 1-based): chr2:162,276,692, T>C on the plus strand (A>G on the coding strand, the complement: IFIH1 is on the minus strand). VCF-style: chr2-162276692-T-C. GRCh37 (hg19) VCF-style: chr2-163133202-T-C.
Other names: short protein forms T767A.
Identifiers: ClinVar variation 1254919 (VCV001254919.26), dbSNP rs766399254, ClinGen allele CA1934251.
Genomic context (GRCh38, chr2:162,276,692, plus strand): 5'-GAGAAGAAGAAAAGAGAAAGAAAAGAAAAGAAGTCGTCCAAAAGGATATTTATACCTGTG[T>C]CATGGGTTTGAACTCACTGCTGTGTCCAGCTCCAATCAGATGGTGGGCTTTGACTCCTAC-3'
Protein context (NP_071451.2, residues 757-777): AGHSSEFKPM[Thr767Ala]QNEQKEVISK